The following is an entry in ClinVar:

NM_014918.5(CHSY1):c.279C>T (p.Thr93=)

Genes: CHSY1 (chondroitin sulfate synthase 1; minus strand), LOC130058068 (ATAC-STARR-seq lymphoblastoid silent region 6885; plus strand). Cytogenetic location: 15q26.3.
Variant type: single nucleotide variant.
Coding change: c.279C>T on transcript NM_014918.5 (MANE Select); coding-DNA position 279, C replaced by T.
Protein change: p.Thr93=; no amino-acid change (threonine 93 retained).
Molecular consequence: synonymous variant.
Genome position (GRCh38, 1-based): chr15:101,251,178, G>A on the plus strand (C>T on the coding strand, the complement: CHSY1 is on the minus strand). VCF-style: chr15-101251178-G-A. GRCh37 (hg19) VCF-style: chr15-101791383-G-A.
Identifiers: ClinVar variation 2645752 (VCV002645752.24), dbSNP rs2039106485, ClinGen allele CA492703208.

ClinVar aggregate classification (germline): Likely benign (1 of 4 stars; one submission).

gnomAD v4.1: 1 of 1,599,998 alleles (0.000063%); highest among the groups gnomAD compares: Non-Finnish European, 0.000085%; no homozygotes.

Submission:

CeGaT Center for Human Genetics Tuebingen
Classification: Likely benign. Last evaluated: 2022-03-01. Review status: criteria provided, single submitter. Criteria: CeGaT Center For Human Genetics Tuebingen Variant Classification Criteria Version 2. Collection method: clinical testing. Allele origin: germline. Affected: yes. Observed: 1 variant allele.
Comment: CHSY1: PM2:Supporting, BP4, BP7